The following is an entry in ClinVar:

ClinVar aggregate classification (germline): Uncertain significance (1 of 4 stars; one submission).

Submission:

Labcorp Genetics (formerly Invitae), Labcorp
Classification: Uncertain significance. Last evaluated: 2023-08-23. Review status: criteria provided, single submitter. Criteria: Invitae Variant Classification Sherloc (09022015). Collection method: clinical testing. Allele origin: germline.
Comment: This sequence change replaces valine, which is neutral and non-polar, with leucine, which is neutral and non-polar, at codon 426 of the CEP78 protein (p.Val426Leu). This variant is not present in population databases (gnomAD no frequency). This variant has not been reported in the literature in individuals affected with CEP78-related conditions. Advanced modeling of protein sequence and biophysical properties (such as structural, functional, and spatial information, amino acid conservation, physicochemical variation, residue mobility, and thermodynamic stability) performed at Invitae indicates that this missense variant is not expected to disrupt CEP78 protein function. In summary, the available evidence is currently insufficient to determine the role of this variant in disease. Therefore, it has been classified as a Variant of Uncertain Significance.

NM_001330691.3(CEP78):c.1273G>T (p.Val425Leu)

Gene: CEP78 (centrosomal protein 78; plus strand). Cytogenetic location: 9q21.2.
Variant type: single nucleotide variant.
Coding change: c.1273G>T on transcript NM_001330691.3 (MANE Select); coding-DNA position 1273, G replaced by T.
Protein change: p.Val425Leu; replaces valine 425 with leucine.
Molecular consequence: missense variant.
Genome position (GRCh38, 1-based): chr9:78,254,857, G>T. VCF-style: chr9-78254857-G-T. GRCh37 (hg19) VCF-style: chr9-80869773-G-T.
Other names: c.1276G>T, p.Val426Leu (NM_001098802.3, NM_001349839.2, NM_001349840.2 and 1 more transcripts); c.1273G>T, p.Val425Leu (NM_001330693.3, NM_001330694.2, NM_001349838.2); short protein forms V425L, V426L.
Identifiers: ClinVar variation 2754659 (VCV002754659.3), dbSNP rs375721961, ClinGen allele CA373860554.